The following is an entry in ClinVar:

ClinVar aggregate classification (germline): Uncertain significance (1 of 4 stars; one submission).

Conditions:
Marshall-Smith syndrome (MRSHSS). Identifiers: Orphanet 561, MedGen C0265211, MONDO:0011244, OMIM 602535.
Malan overgrowth syndrome (MALNS). Also called: Sotos syndrome 2; NFIX-Related Malan Syndrome; MALAN SYNDROME. Identifiers: Orphanet 420179, MedGen C3553660, MONDO:0013885, OMIM 614753.

Allele frequency attached by ClinVar (database versions not stated): gnomAD exomes below 0.00001; gnomAD 0.00001; TOPMed 0.00001.
gnomAD v4.1: 2 of 1,613,850 alleles (0.00012%); highest among the groups gnomAD compares: Non-Finnish European, 0.00017%; no homozygotes.

Submission:

Labcorp Genetics (formerly Invitae), Labcorp
Classification: Uncertain significance for Malan overgrowth syndrome; Marshall-Smith syndrome. Last evaluated: 2024-04-22. Review status: criteria provided, single submitter. Criteria: Invitae Variant Classification Sherloc (09022015). Collection method: clinical testing. Allele origin: germline.
Comment: This sequence change replaces leucine, which is neutral and non-polar, with proline, which is neutral and non-polar, at codon 408 of the NFIX protein (p.Leu408Pro). This variant is not present in population databases (gnomAD no frequency). This variant has not been reported in the literature in individuals affected with NFIX-related conditions. Experimental studies and prediction algorithms are not available or were not evaluated, and the functional significance of this variant is currently unknown. In summary, the available evidence is currently insufficient to determine the role of this variant in disease. Therefore, it has been classified as a Variant of Uncertain Significance.

NM_001365902.3(NFIX):c.1199T>C (p.Leu400Pro)

Gene: NFIX (nuclear factor I X; plus strand). Cytogenetic location: 19p13.13.
Variant type: single nucleotide variant.
Coding change: c.1199T>C on transcript NM_001365902.3 (MANE Select); coding-DNA position 1199, T replaced by C.
Protein change: p.Leu400Pro; replaces leucine 400 with proline.
Molecular consequence: missense variant.
Genome position (GRCh38, 1-based): chr19:13,081,800, T>C. VCF-style: chr19-13081800-T-C. GRCh37 (hg19) VCF-style: chr19-13192614-T-C.
Other names: c.1223T>C, p.Leu408Pro (NM_001271043.2); c.1175T>C, p.Leu392Pro (NM_001271044.3, NM_001378404.1); c.1076T>C, p.Leu359Pro (NM_001365982.2); c.1058T>C, p.Leu353Pro (NM_001365983.2); c.1196T>C, p.Leu399Pro (NM_001365984.2, NM_001365985.2); c.1247T>C, p.Leu416Pro (NM_001378405.1); c.1199T>C, p.Leu400Pro (NM_002501.4); short protein forms L392P, L408P, L359P, L399P, L400P, L353P, L416P.
Identifiers: ClinVar variation 2922467 (VCV002922467.3), dbSNP rs1433450905, ClinGen allele CA404304492.